The following is an entry in ClinVar:

ClinVar aggregate classification (germline): Uncertain significance (1 of 4 stars; one submission).

Conditions:
Inborn genetic diseases. Identifiers: MedGen C0950123, MeSH D030342.

Submission:

Ambry Genetics
Classification: Uncertain significance for Inborn genetic diseases. Last evaluated: 2026-03-30. Review status: criteria provided, single submitter. Criteria: Ambry Variant Classification Scheme 2023. Collection method: clinical testing. Allele origin: germline.
Comment: The p.R387M variant (also known as c.1160G>T), located in coding exon 10 of the CCM2 gene, results from a G to T substitution at nucleotide position 1160. The arginine at codon 387 is replaced by methionine, an amino acid with similar properties. This amino acid position is conserved. In addition, the in silico prediction for this alteration is inconclusive. Based on the available evidence, the clinical significance of this variant remains unclear.

NM_031443.4(CCM2):c.1160G>T (p.Arg387Met)

Gene: CCM2 (CCM2 scaffold protein; plus strand). Cytogenetic location: 7p13.
Variant type: single nucleotide variant.
Coding change: c.1160G>T on transcript NM_031443.4 (MANE Select); coding-DNA position 1160, G replaced by T.
Protein change: p.Arg387Met; replaces arginine 387 with methionine.
Molecular consequence: missense variant. On other transcripts: non-coding transcript variant (1).
Genome position (GRCh38, 1-based): chr7:45,075,882, G>T. VCF-style: chr7-45075882-G-T. GRCh37 (hg19) VCF-style: chr7-45115481-G-T.
Other names: c.1223G>T, p.Arg408Met (NM_001029835.2); c.986G>T, p.Arg329Met (NM_001167934.2); c.887G>T, p.Arg296Met (NM_001167935.2); c.1283G>T, p.Arg428Met (NM_001363458.2); c.1109G>T, p.Arg370Met (NM_001363459.2); short protein forms R370M, R408M, R329M, R387M, R296M, R428M.
Identifiers: ClinVar variation 4221956 (VCV004221956.2).
Genomic context (GRCh38, chr7:45,075,882, plus strand): 5'-ACTTCCTGGAGACCATTGGCGTGAAGGATGGCCGCGGCATCATCACTGACAGCTTTGGCA[G>T]GCACCGGCGGGCCCTGAGCACCACATCCAGTTCCACCACCAATGGGAACAGGGCCACGGG-3'
Protein context (NP_113631.1, residues 377-397): GRGIITDSFG[Arg387Met]HRRALSTTSS